The following is an entry in ClinVar:

NM_003383.5(VLDLR):c.2041C>T (p.Leu681=)

Gene: VLDLR (very low density lipoprotein receptor; plus strand). Cytogenetic location: 9p24.2.
Variant type: single nucleotide variant.
Coding change: c.2041C>T on transcript NM_003383.5 (MANE Select); coding-DNA position 2041, C replaced by T.
Protein change: p.Leu681=; no amino-acid change (leucine 681 retained).
Molecular consequence: synonymous variant.
Genome position (GRCh38, 1-based): chr9:2,648,747, C>T. VCF-style: chr9-2648747-C-T. GRCh37 (hg19) VCF-style: chr9-2648747-C-T.
Other names: p.L681L:CTA>TTA; p.Leu681=; c.2041C>T, p.Leu681= (NM_001018056.3); c.1918C>T, p.Leu640= (NM_001322225.2, NM_001322226.2).
Identifiers: ClinVar variation 130706 (VCV000130706.53), dbSNP rs79720897, ClinGen allele CA155918.

ClinVar aggregate classification (germline): Benign. Review status: criteria provided, multiple submitters, no conflicts (2 of 4 stars). 8 submissions from 8 submitters: Benign (7). 1 of the submissions does not count toward it. Last evaluated 2026-02-02.

Conditions:
VLDLR-related disorder. Also called: VLDLR-related condition.
Cerebellar ataxia, impaired intellectual development, and dysequilibrium syndrome 1. Also called: CEREBELLAR ATAXIA AND MENTAL RETARDATION WITH OR WITHOUT QUADRUPEDAL LOCOMOTION 1; CEREBELLAR ATAXIA, CONGENITAL, AND MENTAL RETARDATION, AUTOSOMAL RECESSIVE; VLDLR Cerebellar Hypoplasia; Cerebellar hypoplasia and mental retardation with or without quadrupedal locomotion 1; Cerebellar ataxia, intellectual disability, and dysequilibrium syndrome 1; Cerebellar ataxia, mental retardation, and dysequilibrium syndrome 1. Identifiers: Orphanet 1766, MedGen C4551552, MONDO:0024542, OMIM 224050.

Allele frequency attached by ClinVar (database versions not stated): gnomAD 0.00518 and 0.00543; 1000 Genomes Project 0.00519; 1000 Genomes Project 30x 0.00547; TOPMed 0.00547; ESP Exome Variant Server 0.00669; gnomAD exomes 0.00693; ExAC 0.00759.
gnomAD v4.1: 12,752 of 1,614,162 alleles (0.79%); highest among the groups gnomAD compares: South Asian, 1.6%; 98 homozygotes.

Submissions (8):

Labcorp Genetics (formerly Invitae), Labcorp
Classification: Benign. Last evaluated: 2026-02-02. Review status: criteria provided, single submitter. Criteria: Invitae Variant Classification Sherloc (09022015). Collection method: clinical testing. Allele origin: germline.

CeGaT Center for Human Genetics Tuebingen
Classification: Benign. Last evaluated: 2024-06-01. Review status: criteria provided, single submitter. Criteria: CeGaT Center For Human Genetics Tuebingen Variant Classification Criteria Version 2. Collection method: clinical testing. Allele origin: germline. Affected: yes. Observed: 24 variant alleles.
Comment: VLDLR: BP4, BS1, BS2

Mayo Clinic Laboratories, Mayo Clinic
Classification: Benign. Last evaluated: 2023-09-01. Review status: criteria provided, single submitter. Criteria: ACMG Guidelines, 2015. Collection method: clinical testing. Allele origin: germline. Observed: 15 variant alleles.
Comment: BS1, BS2, BP7

Illumina Laboratory Services, Illumina
Classification: Benign for Cerebellar ataxia, impaired intellectual development, and dysequilibrium syndrome 1. Last evaluated: 2018-01-12. Review status: criteria provided, single submitter. Criteria: ICSL Variant Classification Criteria 13 December 2019. Collection method: clinical testing. Allele origin: germline.
Comment: This variant was observed in the ICSL laboratory as part of a predisposition screen in an ostensibly healthy population. It had not been previously curated by ICSL or reported in the Human Gene Mutation Database (HGMD: prior to June 1st, 2018), and was therefore a candidate for classification through an automated scoring system. Utilizing variant allele frequency, disease prevalence and penetrance estimates, and inheritance mode, an automated score was calculated to assess if this variant is too frequent to cause the disease. Based on the score and internal cut-off values, a variant classified as benign is not then subjected to further curation. The score for this variant resulted in a classification of benign for this disease.

Eurofins Ntd Llc (ga)
Classification: Benign. Last evaluated: 2015-06-15. Review status: criteria provided, single submitter. Criteria: EGL Classification Definitions 2015. Collection method: clinical testing. Allele origin: germline. Observed: 1 variant allele, 1 heterozygote.

GeneDx
Classification: Benign. Last evaluated: 2014-05-29. Review status: criteria provided, single submitter. Criteria: GeneDx Variant Classification (06012015). Collection method: clinical testing. Allele origin: germline. Affected: yes.
Comment: This variant is considered likely benign or benign based on one or more of the following criteria: it is a conservative change, it occurs at a poorly conserved position in the protein, it is predicted to be benign by multiple in silico algorithms, and/or has population frequency not consistent with disease.

Genetic Services Laboratory, University of Chicago
Classification: Benign for AllHighlyPenetrant. Last evaluated: 2014-01-27. Review status: criteria provided, single submitter. Criteria: ACMG Guidelines, 2007. Collection method: clinical testing. Allele origin: germline. Inheritance: Autosomal recessive inheritance.

PreventionGenetics, part of Exact Sciences
Classification: Benign for VLDLR-related condition. Last evaluated: 2019-05-01. Review status: no assertion criteria provided. Collection method: clinical testing. Allele origin: germline. Not counted in ClinVar's aggregate classification.
Comment: This variant is classified as benign based on ACMG/AMP sequence variant interpretation guidelines (Richards et al. 2015 PMID: 25741868, with internal and published modifications).